The following is an entry in ClinVar:

NM_139318.5(KCNH5):c.1213A>G (p.Ser405Gly)

Gene: KCNH5 (potassium voltage-gated channel subfamily H member 5; minus strand). Cytogenetic location: 14q23.2.
Variant type: single nucleotide variant.
Coding change: c.1213A>G on transcript NM_139318.5 (MANE Select); coding-DNA position 1213, A replaced by G.
Protein change: p.Ser405Gly; replaces serine 405 with glycine.
Molecular consequence: missense variant.
Genome position (GRCh38, 1-based): chr14:62,950,289, T>C on the plus strand (A>G on the coding strand, the complement: KCNH5 is on the minus strand). VCF-style: chr14-62950289-T-C. GRCh37 (hg19) VCF-style: chr14-63417007-T-C.
Other names: c.1213A>G, p.Ser405Gly (NM_172375.3); short protein forms S405G.
Identifiers: ClinVar variation 4802004 (VCV004802004.1).

ClinVar aggregate classification (germline): Uncertain significance (1 of 4 stars; one submission).

Conditions:
Early-infantile DEE. Also called: Early infantile epileptic encephalopathy; Early infantile epileptic encephalopathy with suppression bursts; Ohtahara syndrome. Identifiers: Orphanet 1934, MedGen C0393706, MONDO:0800491.

Submission:

Labcorp Genetics (formerly Invitae), Labcorp
Classification: Uncertain significance for Early-infantile DEE. Last evaluated: 2025-04-21. Review status: criteria provided, single submitter. Criteria: Invitae Variant Classification Sherloc (09022015). Collection method: clinical testing. Allele origin: germline.
Comment: This sequence change replaces serine, which is neutral and polar, with glycine, which is neutral and non-polar, at codon 405 of the KCNH5 protein (p.Ser405Gly). This variant is not present in population databases (gnomAD no frequency). This variant has not been reported in the literature in individuals affected with KCNH5-related conditions. Invitae Evidence Modeling of protein sequence and biophysical properties (such as structural, functional, and spatial information, amino acid conservation, physicochemical variation, residue mobility, and thermodynamic stability) indicates that this missense variant is not expected to disrupt KCNH5 protein function with a negative predictive value of 95%. In summary, the available evidence is currently insufficient to determine the role of this variant in disease. Therefore, it has been classified as a Variant of Uncertain Significance.